The following is an entry in ClinVar:

ClinVar aggregate classification (germline): Uncertain significance. Review status: criteria provided, multiple submitters, no conflicts (2 of 4 stars). 2 submissions from 2 submitters: Uncertain significance (2). Last evaluated 2025-10-08.

Conditions:
Inborn genetic diseases. Identifiers: MedGen C0950123, MeSH D030342.

gnomAD v4.1: 42 of 1,613,900 alleles (0.0026%); highest among the groups gnomAD compares: Non-Finnish European, 0.0032%; no homozygotes.

Submissions (2):

Labcorp Genetics (formerly Invitae), Labcorp
Classification: Uncertain significance. Last evaluated: 2025-10-08. Review status: criteria provided, single submitter. Criteria: Invitae Variant Classification Sherloc (09022015). Collection method: clinical testing. Allele origin: germline.
Comment: This sequence change replaces lysine, which is basic and polar, with glutamic acid, which is acidic and polar, at codon 2022 of the RP1 protein (p.Lys2022Glu). This variant is present in population databases (rs184596875, gnomAD 0.002%). This variant has not been reported in the literature in individuals affected with RP1-related conditions. ClinVar contains an entry for this variant (Variation ID: 1477496). An algorithm developed to predict the effect of missense changes on protein structure and function (PolyPhen-2) suggests that this variant is likely to be tolerated. In summary, the available evidence is currently insufficient to determine the role of this variant in disease. Therefore, it has been classified as a Variant of Uncertain Significance.

Ambry Genetics
Classification: Uncertain significance for Inborn genetic diseases. Last evaluated: 2025-05-01. Review status: criteria provided, single submitter. Criteria: Ambry Variant Classification Scheme 2023. Collection method: clinical testing. Allele origin: germline.

NM_006269.2(RP1):c.6064A>G (p.Lys2022Glu)

Genes: RP1 (RP1 axonemal microtubule associated; plus strand), LOC126860392 (CDK7 strongly-dependent group 2 enhancer GRCh37_chr8:55541319-55542518; plus strand). Cytogenetic location: 8q12.1.
Variant type: single nucleotide variant.
Coding change: c.6064A>G on transcript NM_006269.2 (MANE Select); coding-DNA position 6064, A replaced by G.
Protein change: p.Lys2022Glu; replaces lysine 2022 with glutamic acid.
Molecular consequence: missense variant. On other transcripts: intron variant (1).
Genome position (GRCh38, 1-based): chr8:54,629,946, A>G. VCF-style: chr8-54629946-A-G. GRCh37 (hg19) VCF-style: chr8-55542506-A-G.
Other names: c.787+7658A>G (NM_001375654.1); c.6064A>G (NM_006269.1); short protein forms K2022E.
Identifiers: ClinVar variation 1477496 (VCV001477496.10), dbSNP rs184596875, ClinGen allele CA4752172.